The following is an entry in ClinVar:

ClinVar aggregate classification (germline): Pathogenic (1 of 4 stars; one submission).

Conditions:
Hereditary cancer-predisposing syndrome. Also called: Neoplastic Syndromes, Hereditary; Tumor predisposition; Hereditary Cancer Syndrome; Hereditary neoplastic syndrome. Identifiers: Orphanet 140162, MedGen C0027672, MeSH D009386, MONDO:0015356.

Submission:

Ambry Genetics
Classification: Pathogenic for Hereditary cancer-predisposing syndrome. Last evaluated: 2025-09-05. Review status: criteria provided, single submitter. Criteria: Ambry Variant Classification Scheme 2023. Collection method: clinical testing. Allele origin: germline.
Comment: The p.Q89* pathogenic mutation (also known as c.265C>T), located in coding exon 1 of the AXIN2 gene, results from a C to T substitution at nucleotide position 265. This changes the amino acid from a glutamine to a stop codon within coding exon 1. This variant was reported in individual(s) with features consistent with oligodontia-cancer predisposition syndrome (Ambry internal data). This variant is considered to be rare based on population cohorts in the Genome Aggregation Database (gnomAD). This alteration is expected to result in loss of function by premature protein truncation or nonsense-mediated mRNA decay. As such, this alteration is interpreted as a disease-causing mutation.

NM_004655.4(AXIN2):c.265C>T (p.Gln89Ter)

Gene: AXIN2 (axin 2; minus strand). Cytogenetic location: 17q24.1.
Variant type: single nucleotide variant.
Coding change: c.265C>T on transcript NM_004655.4 (MANE Select); coding-DNA position 265, C replaced by T.
Protein change: p.Gln89Ter; replaces glutamine 89 with a stop codon.
Molecular consequence: nonsense.
Genome position (GRCh38, 1-based): chr17:65,558,356, G>A on the plus strand (C>T on the coding strand, the complement: AXIN2 is on the minus strand). VCF-style: chr17-65558356-G-A. GRCh37 (hg19) VCF-style: chr17-63554474-G-A.
Other names: c.265C>T, p.Gln89Ter (NM_001363813.1); short protein forms Q89*.
Identifiers: ClinVar variation 4188551 (VCV004188551.1).